The following is an entry in ClinVar:

ClinVar aggregate classification (germline): Uncertain significance. Review status: criteria provided, multiple submitters, no conflicts (2 of 4 stars). 3 submissions from 3 submitters: Uncertain significance (3). Last evaluated 2026-01-06.

Conditions:
Inborn genetic diseases. Identifiers: MedGen C0950123, MeSH D030342.
Congenital myasthenic syndrome 8. Also called: MYASTHENIC SYNDROME, CONGENITAL, DUE TO AGRIN DEFICIENCY; Myasthenic syndrome, congenital, 8, with pre- and postsynaptic defects. Identifiers: Orphanet 590, MedGen C3808739, MONDO:0014052, OMIM 615120.

Allele frequency attached by ClinVar (database versions not stated): gnomAD exomes 0.00003 and 0.00014; gnomAD 0.00004; TOPMed 0.00006; ExAC 0.00011; 1000 Genomes Project 30x 0.00016; 1000 Genomes Project 0.00020.
gnomAD v4.1: 51 of 1,612,664 alleles (0.0032%); highest among the groups gnomAD compares: Admixed American, 0.077%; no homozygotes.

Submissions (3):

Women's Health and Genetics/Laboratory Corporation of America, LabCorp
Classification: Uncertain significance. Last evaluated: 2026-01-06. Review status: criteria provided, single submitter. Criteria: LabCorp Variant Classification Summary - May 2015. Collection method: clinical testing. Allele origin: germline.
Comment: Variant summary: AGRN c.3524A>G (p.Asp1175Gly) results in a non-conservative amino acid change in the encoded protein sequence. Algorithms developed to predict the effect of missense changes on protein structure and function are either unavailable or do not agree on the potential impact of this missense change. The variant allele was found at a frequency of 0.00014 in 249912 control chromosomes. This frequency is not significantly higher than estimated for disease-causing variants in AGRN, allowing no conclusion about variant significance. To our knowledge, no occurrence of c.3524A>G in individuals affected with AGRN-related conditions and no experimental evidence demonstrating its impact on protein function have been reported. ClinVar contains an entry for this variant (Variation ID: 1423346). Based on the evidence outlined above, the variant was classified as uncertain significance.

Ambry Genetics
Classification: Uncertain significance for Inborn genetic diseases. Last evaluated: 2023-10-03. Review status: criteria provided, single submitter. Criteria: Ambry Variant Classification Scheme 2023. Collection method: clinical testing. Allele origin: germline.

Labcorp Genetics (formerly Invitae), Labcorp
Classification: Uncertain significance for Congenital myasthenic syndrome 8. Last evaluated: 2022-07-06. Review status: criteria provided, single submitter. Criteria: Invitae Variant Classification Sherloc (09022015). Collection method: clinical testing. Allele origin: germline.
Comment: This sequence change replaces aspartic acid, which is acidic and polar, with glycine, which is neutral and non-polar, at codon 1175 of the AGRN protein (p.Asp1175Gly). This variant is present in population databases (rs536978031, gnomAD 0.1%). This variant has not been reported in the literature in individuals affected with AGRN-related conditions. ClinVar contains an entry for this variant (Variation ID: 1423346). Algorithms developed to predict the effect of missense changes on protein structure and function output the following: SIFT: "Deleterious"; PolyPhen-2: "Possibly Damaging"; Align-GVGD: "Class C0". The glycine amino acid residue is found in multiple mammalian species, which suggests that this missense change does not adversely affect protein function. In summary, the available evidence is currently insufficient to determine the role of this variant in disease. Therefore, it has been classified as a Variant of Uncertain Significance.

NM_198576.4(AGRN):c.3524A>G (p.Asp1175Gly)

Gene: AGRN (agrin; plus strand). Cytogenetic location: 1p36.33.
Variant type: single nucleotide variant.
Coding change: c.3524A>G on transcript NM_198576.4 (MANE Select); coding-DNA position 3524, A replaced by G.
Protein change: p.Asp1175Gly; replaces aspartic acid 1175 with glycine.
Molecular consequence: missense variant.
Genome position (GRCh38, 1-based): chr1:1,047,580, A>G. VCF-style: chr1-1047580-A-G. GRCh37 (hg19) VCF-style: chr1-982960-A-G.
Other names: c.3524A>G (NM_198576.3); c.3524A>G, p.Asp1175Gly (NM_001305275.2); c.3209A>G, p.Asp1070Gly (NM_001364727.2); short protein forms D1070G, D1175G.
Identifiers: ClinVar variation 1423346 (VCV001423346.5), dbSNP rs536978031, ClinGen allele CA509128.